The following is an entry in ClinVar:

ClinVar aggregate classification (germline): Benign/Likely benign. Review status: criteria provided, multiple submitters, no conflicts (2 of 4 stars). 8 submissions from 8 submitters: Benign (3); Likely benign (4). 1 of the submissions does not count toward it. Last evaluated 2026-02-02.

Conditions:
Hermansky-Pudlak syndrome 1 (HPS1). Also called: DELTA STORAGE POOL DISEASE. Identifiers: Orphanet 231500, Orphanet 79430, MedGen C2931875, MONDO:0008748, OMIM 203300.
Hermansky-Pudlak syndrome (HPS). Also called: ALBINISM WITH HEMORRHAGIC DIATHESIS AND PIGMENTED RETICULOENDOTHELIAL CELLS. Identifiers: Orphanet 79430, MedGen C0079504, MONDO:0019312.

Allele frequency attached by ClinVar (database versions not stated): gnomAD 0.00002 and 0.00022; TOPMed 0.00002; gnomAD exomes 0.00110; ExAC 0.00126; 1000 Genomes Project 30x 0.00156; 1000 Genomes Project 0.00200.
gnomAD v4.1: 816 of 1,612,924 alleles (0.051%); highest among the groups gnomAD compares: South Asian, 0.84%; 10 homozygotes.

Submissions (8):

Labcorp Genetics (formerly Invitae), Labcorp
Classification: Benign. Last evaluated: 2026-02-02. Review status: criteria provided, single submitter. Criteria: Invitae Variant Classification Sherloc (09022015). Collection method: clinical testing. Allele origin: germline.

Mayo Clinic Laboratories, Mayo Clinic
Classification: Benign. Last evaluated: 2025-04-14. Review status: criteria provided, single submitter. Criteria: ACMG Guidelines, 2015. Collection method: clinical testing. Allele origin: germline. Observed: 1 variant allele.
Comment: BS1, BS2, BP4, BP7

Fulgent Genetics
Classification: Benign for Hermansky-Pudlak syndrome 1. Last evaluated: 2021-10-16. Review status: criteria provided, single submitter. Criteria: ACMG Guidelines, 2015. Collection method: clinical testing. Allele origin: unknown.

Illumina Laboratory Services, Illumina
Classification: Likely benign for Hermansky-Pudlak syndrome 1. Last evaluated: 2018-01-12. Review status: criteria provided, single submitter. Criteria: ICSL Variant Classification Criteria 13 December 2019. Collection method: clinical testing. Allele origin: germline.
Comment: This variant was observed in the ICSL laboratory as part of a predisposition screen in an ostensibly healthy population. It had not been previously curated by ICSL or reported in the Human Gene Mutation Database (HGMD: prior to June 1st, 2018), and was therefore a candidate for classification through an automated scoring system. Utilizing variant allele frequency, disease prevalence and penetrance estimates, and inheritance mode, an automated score was calculated to assess if this variant is too frequent to cause the disease. Based on the score and internal cut-off values, a variant classified as likely benign is not then subjected to further curation. The score for this variant resulted in a classification of likely benign for this disease.

Genetic Services Laboratory, University of Chicago
Classification: Likely benign. Last evaluated: 2015-05-13. Review status: criteria provided, single submitter. Criteria: ACMG Guidelines, 2015. Collection method: clinical testing. Allele origin: germline.

Breakthrough Genomics
Classification: Likely benign. Review status: criteria provided, single submitter. Criteria: ACMG Guidelines, 2015. Collection method: not provided. Allele origin: germline. Inheritance: Autosomal recessive inheritance. Affected: yes.

PreventionGenetics, part of Exact Sciences
Classification: Likely benign. Review status: criteria provided, single submitter. Criteria: ACMG Guidelines, 2015. Collection method: clinical testing. Allele origin: germline.

Natera, Inc.
Classification: Benign for Hermansky-Pudlak syndrome. Last evaluated: 2020-09-16. Review status: no assertion criteria provided. Collection method: clinical testing. Allele origin: germline. Not counted in ClinVar's aggregate classification.

NM_000195.5(HPS1):c.2052C>T (p.Ala684=)

Gene: HPS1 (HPS1 biogenesis of lysosomal organelles complex 3 subunit 1; minus strand). Cytogenetic location: 10q24.2.
Variant type: single nucleotide variant.
Coding change: c.2052C>T on transcript NM_000195.5 (MANE Select); coding-DNA position 2052, C replaced by T.
Protein change: p.Ala684=; no amino-acid change (alanine 684 retained).
Molecular consequence: synonymous variant.
Genome position (GRCh38, 1-based): chr10:98,417,615, G>A on the plus strand (C>T on the coding strand, the complement: HPS1 is on the minus strand). VCF-style: chr10-98417615-G-A. GRCh37 (hg19) VCF-style: chr10-100177372-G-A.
Other names: p.Ala684=; c.1080C>T, p.Ala360= (NM_001311345.2, NM_001322487.2, NM_001322489.2); c.2052C>T, p.Ala684= (NM_001322476.2, NM_001322477.2); c.1953C>T, p.Ala651= (NM_001322478.2, NM_001322479.2); c.1791C>T, p.Ala597= (NM_001322480.2, NM_001322481.2); c.1692C>T, p.Ala564= (NM_001322482.2); c.1683C>T, p.Ala561= (NM_001322483.2, NM_001322484.2); c.1584C>T, p.Ala528= (NM_001322485.2).
Identifiers: ClinVar variation 211148 (VCV000211148.24), dbSNP rs576260502, ClinGen allele CA207798.